The following is an entry in ClinVar:

ClinVar aggregate classification (germline): Pathogenic (1 of 4 stars; one submission).

Conditions:
CEP290-related ciliopathy. Also called: CEP290 ciliopathy. Identifiers: MedGen CN305601, MONDO:0100451.

Submission:

Myriad Genetics, Inc.
Classification: Pathogenic for CEP290-related ciliopathy. Last evaluated: 2026-06-17. Review status: criteria provided, single submitter. Criteria: Myriad Autosomal Dominant, Autosomal Recessive and X-Linked Classification Criteria (2023). Collection method: clinical testing. Allele origin: unknown.
Comment: NM_025114.3(CEP290):c.835dupG(D279Gfs*19) is expected to be pathogenic in the context of CEP290-related disorders. This variant is predicted to lead to an abnormal or absent protein product due to the creation of a premature termination codon in CEP290, a gene where loss-of-function variants are known to be pathogenic. Please note: this variant was assessed in the context of healthy population screening.

NM_025114.4(CEP290):c.835dup (p.Asp279fs)

Gene: CEP290 (centrosomal protein 290; minus strand). Cytogenetic location: 12q21.32.
Variant type: Duplication.
Coding change: c.835dup on transcript NM_025114.4 (MANE Select); coding-DNA position 835, one base duplicated (G; older notation c.835dupG).
Protein change: p.Asp279fs; shifts the reading frame from aspartic acid 279.
Molecular consequence: frameshift variant.
Genome position (GRCh38, 1-based): chr12:88,129,711, C duplicated on the plus strand (G on the coding strand, the reverse complement: CEP290 is on the minus strand). VCF-style (leftmost placement, unchanged base first): chr12-88129710-T-TC. GRCh37 (hg19) VCF-style: chr12-88523487-T-TC.
Other names: short protein forms D279fs.
Identifiers: ClinVar variation 5016050 (VCV005016050.1).
Genomic context (GRCh38, chr12:88,129,710, plus strand): 5'-ATATGAAGTCTGAATAAATAAGTTATTCTAAAAGTAATTCTTACTTGAAGTTGATAATGA[T>TC]CGTTTTCTTTTTTTAACTGATCTATTACATTATCTGTCTGATGCACAATAGCTTTCATTC-3'